The following is an entry in ClinVar:

ClinVar aggregate classification (germline): Uncertain significance (1 of 4 stars; one submission).

Conditions:
Inborn genetic diseases. Identifiers: MedGen C0950123, MeSH D030342.

Submission:

Ambry Genetics
Classification: Uncertain significance for Inborn genetic diseases. Last evaluated: 2025-08-02. Review status: criteria provided, single submitter. Criteria: Ambry Variant Classification Scheme 2023. Collection method: clinical testing. Allele origin: germline.
Comment: The p.S1178C variant (also known as c.3533C>G), located in coding exon 16 of the MECOM gene, results from a C to G substitution at nucleotide position 3533. The serine at codon 1178 is replaced by cysteine, an amino acid with dissimilar properties. This amino acid position is conserved. In addition, this alteration is predicted to be tolerated by in silico analysis. Based on the available evidence, the clinical significance of this variant remains unclear.

NM_004991.4(MECOM):c.3533C>G (p.Ser1178Cys)

Gene: MECOM (MDS1 and EVI1 complex locus; minus strand). Cytogenetic location: 3q26.2.
Variant type: single nucleotide variant.
Coding change: c.3533C>G on transcript NM_004991.4 (MANE Select); coding-DNA position 3533, C replaced by G.
Protein change: p.Ser1178Cys; replaces serine 1178 with cysteine.
Molecular consequence: missense variant.
Genome position (GRCh38, 1-based): chr3:169,089,052, G>C on the plus strand (C>G on the coding strand, the complement: MECOM is on the minus strand). VCF-style: chr3-169089052-G-C. GRCh37 (hg19) VCF-style: chr3-168806840-G-C.
Other names: c.3164C>G, p.Ser1055Cys (NM_001105077.4); c.2969C>G, p.Ser990Cys (NM_001105078.4, NM_001205194.2, NM_001366469.2 and 1 more transcripts); c.2945C>G, p.Ser982Cys (NM_001163999.2, NM_001366470.2); c.2942C>G, p.Ser981Cys (NM_001164000.2, NM_001366471.2, NM_001366472.2); c.3506C>G, p.Ser1169Cys (NM_001366466.2); c.2972C>G, p.Ser991Cys (NM_001366467.2, NM_001366468.2); c.2534C>G, p.Ser845Cys (NM_001366473.2); c.1970C>G, p.Ser657Cys (NM_001366474.2); short protein forms S1169C, S1178C, S657C, S1055C, S845C, S981C, S990C, S982C.
Identifiers: ClinVar variation 4105820 (VCV004105820.1).